The following is an entry in ClinVar:

NM_019851.3(FGF20):c.154C>G (p.Pro52Ala)

Genes: FGF20 (fibroblast growth factor 20; minus strand), LOC129999926 (ATAC-STARR-seq lymphoblastoid silent region 18958; plus strand). Cytogenetic location: 8p22.
Variant type: single nucleotide variant.
Coding change: c.154C>G on transcript NM_019851.3 (MANE Select); coding-DNA position 154, C replaced by G.
Protein change: p.Pro52Ala; replaces proline 52 with alanine.
Molecular consequence: missense variant.
Genome position (GRCh38, 1-based): chr8:17,001,879, G>C on the plus strand (C>G on the coding strand, the complement: FGF20 is on the minus strand). VCF-style: chr8-17001879-G-C. GRCh37 (hg19) VCF-style: chr8-16859388-G-C.
Other names: short protein forms P52A.
Identifiers: ClinVar variation 2815320 (VCV002815320.3), dbSNP rs1337956675, ClinGen allele CA370395492.

ClinVar aggregate classification (germline): Uncertain significance (1 of 4 stars; one submission).

gnomAD v4.1: 1 of 1,435,618 alleles (0.00007%); highest among the groups gnomAD compares: Non-Finnish European, 0.000091%; no homozygotes.

Submission:

Labcorp Genetics (formerly Invitae), Labcorp
Classification: Uncertain significance. Last evaluated: 2023-03-17. Review status: criteria provided, single submitter. Criteria: Invitae Variant Classification Sherloc (09022015). Collection method: clinical testing. Allele origin: germline.
Comment: This variant is not present in population databases (gnomAD no frequency). In summary, the available evidence is currently insufficient to determine the role of this variant in disease. Therefore, it has been classified as a Variant of Uncertain Significance. An algorithm developed to predict the effect of missense changes on protein structure and function (PolyPhen-2) suggests that this variant is likely to be tolerated. This variant has not been reported in the literature in individuals affected with FGF20-related conditions. This sequence change replaces proline, which is neutral and non-polar, with alanine, which is neutral and non-polar, at codon 52 of the FGF20 protein (p.Pro52Ala).